The following is an entry in ClinVar:

ClinVar aggregate classification (germline): Pathogenic (1 of 4 stars; one submission).

Conditions:
Early-infantile DEE. Also called: Ohtahara syndrome; Early infantile epileptic encephalopathy with suppression bursts; Early infantile epileptic encephalopathy. Identifiers: Orphanet 1934, MedGen C0393706, MONDO:0800491.

Submission:

Labcorp Genetics (formerly Invitae), Labcorp
Classification: Pathogenic for Early-infantile DEE. Last evaluated: 2026-01-04. Review status: criteria provided, single submitter. Criteria: Invitae Variant Classification Sherloc (09022015). Collection method: clinical testing. Allele origin: germline.
Comment: This sequence change replaces serine, which is neutral and polar, with phenylalanine, which is neutral and non-polar, at codon 886 of the SCN1A protein (p.Ser886Phe). This variant is not present in population databases (gnomAD no frequency). This missense change has been observed in individual(s) with clinical features of SCN1A-related conditions (PMID: 28202706). In at least one individual the variant was observed to be de novo. Invitae Evidence Modeling of protein sequence and biophysical properties (such as structural, functional, and spatial information, amino acid conservation, physicochemical variation, residue mobility, and thermodynamic stability) indicates that this missense variant is expected to disrupt SCN1A protein function with a positive predictive value of 95%. For these reasons, this variant has been classified as Pathogenic.

Literature cited by the submitters: PubMed 28202706.

NM_001165963.4(SCN1A):c.2657C>T (p.Ser886Phe)

Gene: SCN1A (sodium voltage-gated channel alpha subunit 1; minus strand). Cytogenetic location: 2q24.3.
Variant type: single nucleotide variant.
Coding change: c.2657C>T on transcript NM_001165963.4 (MANE Select); coding-DNA position 2657, C replaced by T.
Protein change: p.Ser886Phe; replaces serine 886 with phenylalanine.
Molecular consequence: missense variant. On other transcripts: non-coding transcript variant (1).
Genome position (GRCh38, 1-based): chr2:166,038,065, G>A on the plus strand (C>T on the coding strand, the complement: SCN1A is on the minus strand). VCF-style: chr2-166038065-G-A. GRCh37 (hg19) VCF-style: chr2-166894575-G-A.
Other names: c.2573C>T, p.Ser858Phe (NM_001165964.3, NM_001353957.2, NM_001353958.2); c.2657C>T, p.Ser886Phe (NM_001202435.3, NM_001353948.2); c.2624C>T, p.Ser875Phe (NM_001353949.2, NM_001353950.2, NM_001353951.2 and 2 more transcripts); c.2621C>T, p.Ser874Phe (NM_001353954.2, NM_001353955.2); c.2570C>T, p.Ser857Phe (NM_001353960.2); c.215C>T, p.Ser72Phe (NM_001353961.2); short protein forms S858F, S857F, S874F, S875F, S72F, S886F.
Identifiers: ClinVar variation 4747056 (VCV004747056.1).